The following is an entry in ClinVar:

NM_080605.4(B3GALT6):c.145C>A (p.Pro49Thr)

Gene: B3GALT6 (beta-1,3-galactosyltransferase 6; plus strand). Cytogenetic location: 1p36.33.
Variant type: single nucleotide variant.
Coding change: c.145C>A on transcript NM_080605.4 (MANE Select); coding-DNA position 145, C replaced by A.
Protein change: p.Pro49Thr; replaces proline 49 with threonine.
Molecular consequence: missense variant.
Genome position (GRCh38, 1-based): chr1:1,232,423, C>A. VCF-style: chr1-1232423-C-A. GRCh37 (hg19) VCF-style: chr1-1167803-C-A.
Other names: p.Pro49Thr; c.145C>A (NM_080605.3); short protein forms P49T.
Identifiers: ClinVar variation 1423921 (VCV001423921.8), dbSNP rs1490617023, ClinGen allele CA337822832.

ClinVar aggregate classification (germline): Uncertain significance. Review status: criteria provided, multiple submitters, no conflicts (2 of 4 stars). 5 submissions from 5 submitters: Uncertain significance (5). Last evaluated 2026-06-01.

Conditions:
Ehlers-Danlos syndrome, spondylodysplastic type, 2 (EDSSPD2). Also called: Ehlers-Danlos syndrome, progeroid type, 2. Identifiers: Orphanet 536467, Orphanet 75496, MedGen C3809210, MONDO:0014139, OMIM 615349.
Spondyloepimetaphyseal dysplasia with joint laxity (SEMDJL). Identifiers: MedGen C0432243, MONDO:0019675.
Inborn genetic diseases. Identifiers: MedGen C0950123, MeSH D030342.

Allele frequency attached by ClinVar (database versions not stated): gnomAD 0.00002 and 0.00003; 1000 Genomes Project 30x 0.00031.

Submissions (5):

CeGaT Center for Human Genetics Tuebingen
Classification: Uncertain significance. Last evaluated: 2026-06-01. Review status: criteria provided, single submitter. Criteria: CeGaT Center For Human Genetics Tuebingen Variant Classification Criteria Version 2. Collection method: clinical testing. Allele origin: germline. Affected: yes. Observed: 1 variant allele.
Comment: B3GALT6: PM2

Mayo Clinic Laboratories, Mayo Clinic
Classification: Uncertain significance. Last evaluated: 2025-10-20. Review status: criteria provided, single submitter. Criteria: ACMG Guidelines, 2015. Collection method: clinical testing. Allele origin: germline. Observed: 1 variant allele.
Comment: BP4

GeneDx
Classification: Uncertain significance. Last evaluated: 2024-05-15. Review status: criteria provided, single submitter. Criteria: GeneDx Variant Classification Process June 2021. Collection method: clinical testing. Allele origin: germline. Affected: yes.
Comment: Not observed at significant frequency in large population cohorts (gnomAD); In silico analysis indicates that this missense variant does not alter protein structure/function; Has not been previously published as pathogenic or benign to our knowledge

Ambry Genetics
Classification: Uncertain significance for Inborn genetic diseases. Last evaluated: 2024-01-24. Review status: criteria provided, single submitter. Criteria: Ambry Variant Classification Scheme 2023. Collection method: clinical testing. Allele origin: germline.

Labcorp Genetics (formerly Invitae), Labcorp
Classification: Uncertain significance for Ehlers-Danlos syndrome, spondylodysplastic type, 2; Spondyloepimetaphyseal dysplasia with joint laxity. Last evaluated: 2022-04-01. Review status: criteria provided, single submitter. Criteria: Invitae Variant Classification Sherloc (09022015). Collection method: clinical testing. Allele origin: germline.
Comment: This sequence change replaces proline, which is neutral and non-polar, with threonine, which is neutral and polar, at codon 49 of the B3GALT6 protein (p.Pro49Thr). The frequency data for this variant in the population databases is considered unreliable, as metrics indicate insufficient coverage at this position in the gnomAD database. This variant has not been reported in the literature in individuals affected with B3GALT6-related conditions. Algorithms developed to predict the effect of missense changes on protein structure and function output the following: SIFT: "Tolerated"; PolyPhen-2: "Possibly Damaging"; Align-GVGD: "Class C0". The threonine amino acid residue is found in multiple mammalian species, which suggests that this missense change does not adversely affect protein function. In summary, the available evidence is currently insufficient to determine the role of this variant in disease. Therefore, it has been classified as a Variant of Uncertain Significance.